The following is an entry in ClinVar:

ClinVar aggregate classification (germline): Pathogenic (1 of 4 stars; one submission).

Conditions:
GLUT1 deficiency syndrome 1, autosomal recessive. Identifiers: MedGen C3149117.

Submission:

Labcorp Genetics (formerly Invitae), Labcorp
Classification: Pathogenic for GLUT1 deficiency syndrome 1, autosomal recessive. Last evaluated: 2022-05-08. Review status: criteria provided, single submitter. Criteria: Invitae Variant Classification Sherloc (09022015). Collection method: clinical testing. Allele origin: germline.
Comment: This sequence change replaces methionine, which is neutral and non-polar, with lysine, which is basic and polar, at codon 180 of the SLC2A1 protein (p.Met180Lys). This variant is not present in population databases (gnomAD no frequency). This missense change has been observed in individual(s) with SLC2A1-related conditions (PMID: 27927575). In at least one individual the variant was observed to be de novo. Advanced modeling of protein sequence and biophysical properties (such as structural, functional, and spatial information, amino acid conservation, physicochemical variation, residue mobility, and thermodynamic stability) performed at Invitae indicates that this missense variant is expected to disrupt SLC2A1 protein function. For these reasons, this variant has been classified as Pathogenic.

Literature cited by the submitters: PubMed 27927575.

NM_006516.4(SLC2A1):c.539T>A (p.Met180Lys)

Gene: SLC2A1 (solute carrier family 2 member 1; minus strand). Cytogenetic location: 1p34.2.
Variant type: single nucleotide variant.
Coding change: c.539T>A on transcript NM_006516.4 (MANE Select); coding-DNA position 539, T replaced by A.
Protein change: p.Met180Lys; replaces methionine 180 with lysine.
Molecular consequence: missense variant.
Genome position (GRCh38, 1-based): chr1:42,930,013, A>T on the plus strand (T>A on the coding strand, the complement: SLC2A1 is on the minus strand). VCF-style: chr1-42930013-A-T. GRCh37 (hg19) VCF-style: chr1-43395684-A-T.
Other names: short protein forms M180K.
Identifiers: ClinVar variation 2202744 (VCV002202744.4), dbSNP rs2524994322, ClinGen allele CA339958820.